The following is an entry in ClinVar:

ClinVar aggregate classification (germline): Uncertain significance (1 of 4 stars; one submission).

Conditions:
Idiopathic generalized epilepsy. Also called: EIG; Generalised epilepsy. Identifiers: MedGen C0270850, MONDO:0005579, OMIM 600669.
Hyperaldosteronism, familial, type IV (HALD4). Also called: FH IV; ALDOSTERONISM, PRIMARY, AND HYPERTENSION. Identifiers: Orphanet 642671, MedGen C4310756, MONDO:0014875, OMIM 617027.

Submission:

Labcorp Genetics (formerly Invitae), Labcorp
Classification: Uncertain significance for Idiopathic generalized epilepsy; Hyperaldosteronism, familial, type IV. Last evaluated: 2025-11-25. Review status: criteria provided, single submitter. Criteria: Invitae Variant Classification Sherloc (09022015). Collection method: clinical testing. Allele origin: germline.
Comment: This sequence change falls in intron 13 of the CACNA1H gene. It does not directly change the encoded amino acid sequence of the CACNA1H protein. This variant is present in population databases (no rsID available, gnomAD 0.01%). This variant has not been reported in the literature in individuals affected with CACNA1H-related conditions. Algorithms developed to predict the effect of sequence changes on RNA splicing suggest that this variant may disrupt the consensus splice site. In summary, the available evidence is currently insufficient to determine the role of this variant in disease. Therefore, it has been classified as a Variant of Uncertain Significance.

NM_021098.3(CACNA1H):c.2908-17_2908-11del

Gene: CACNA1H (calcium voltage-gated channel subunit alpha1 H; plus strand). Cytogenetic location: 16p13.3.
Variant type: Deletion.
Coding change: c.2908-17_2908-11del on transcript NM_021098.3 (MANE Select); 17 bases into the intron before coding-DNA position 2908 through 11 bases into the intron before coding-DNA position 2908, 7 bases deleted (CCCCTGC; older notation c.2908-17_2908-11delCCCCTGC).
Molecular consequence: intron variant.
Genome position (GRCh38, 1-based): chr16:1,207,258-1,207,264, CCCCTGC deleted; deleting any 7 consecutive bases within chr16:1,207,256-1,207,264 gives the same sequence; the c. name uses the placement nearest the transcript's 3' end. VCF-style (leftmost placement, unchanged base first): chr16-1207255-GGCCCCCT-G. GRCh37 (hg19) VCF-style: chr16-1257255-GGCCCCCT-G.
Other names: c.2908-17_2908-11del (NM_001005407.2).
Identifiers: ClinVar variation 4793725 (VCV004793725.1).